The following is an entry in ClinVar:

NM_002661.5(PLCG2):c.751A>T (p.Ile251Leu)

Gene: PLCG2 (phospholipase C gamma 2; plus strand). Cytogenetic location: 16q23.3.
Variant type: single nucleotide variant.
Coding change: c.751A>T on transcript NM_002661.5 (MANE Select); coding-DNA position 751, A replaced by T.
Protein change: p.Ile251Leu; replaces isoleucine 251 with leucine.
Molecular consequence: missense variant.
Genome position (GRCh38, 1-based): chr16:81,883,327, A>T. VCF-style: chr16-81883327-A-T. GRCh37 (hg19) VCF-style: chr16-81916932-A-T.
Other names: short protein forms I251L.
Identifiers: ClinVar variation 2629071 (VCV002629071.4), dbSNP rs190840748, ClinGen allele CA8193412.
Genomic context (GRCh38, chr16:81,883,327, plus strand): 5'-AGGAACACTGACAGGCCGGATGCCTCTGCTGTTTACCTGCATGACTTCCAGAGGTTTCTC[A>T]TACATGAACAGCAGGTGAGAGCACAAGGTGTGTGGGTGCCTGAGGGAGCTGGCGGGATGC-3'
Protein context (NP_002652.2, residues 241-261): VYLHDFQRFL[Ile251Leu]HEQQEHWAQD

ClinVar aggregate classification (germline): Uncertain significance. Review status: criteria provided, multiple submitters, no conflicts (2 of 4 stars). 2 submissions from 2 submitters: Uncertain significance (2). Last evaluated 2023-04-08.

Conditions:
PLCG2-related disorder. Also called: PLCG2-related condition.
Familial cold autoinflammatory syndrome 3 (FCAS3). Also called: FAMILIAL ATYPICAL COLD URTICARIA; ANTIBODY DEFICIENCY AND IMMUNE DYSREGULATION, PLCG2-ASSOCIATED. Identifiers: Orphanet 300359, MedGen C3280914, MONDO:0013766, OMIM 614468.

gnomAD v4.1: 18 of 1,613,848 alleles (0.0011%); highest among the groups gnomAD compares: Non-Finnish European, 0.0014%; no homozygotes.

Submissions (2):

Labcorp Genetics (formerly Invitae), Labcorp
Classification: Uncertain significance for Familial cold autoinflammatory syndrome 3. Last evaluated: 2023-04-08. Review status: criteria provided, single submitter. Criteria: Invitae Variant Classification Sherloc (09022015). Collection method: clinical testing. Allele origin: germline.
Comment: Algorithms developed to predict the effect of missense changes on protein structure and function output the following: SIFT: "Not Available"; PolyPhen-2: "Benign"; Align-GVGD: "Not Available". The leucine amino acid residue is found in multiple mammalian species, which suggests that this missense change does not adversely affect protein function. In summary, the available evidence is currently insufficient to determine the role of this variant in disease. Therefore, it has been classified as a Variant of Uncertain Significance. This variant has not been reported in the literature in individuals affected with PLCG2-related conditions. This variant is present in population databases (rs190840748, gnomAD 0.003%). This sequence change replaces isoleucine, which is neutral and non-polar, with leucine, which is neutral and non-polar, at codon 251 of the PLCG2 protein (p.Ile251Leu).

PreventionGenetics, part of Exact Sciences
Classification: Uncertain significance for PLCG2-related condition. Last evaluated: 2022-10-17. Review status: criteria provided, single submitter. Criteria: ACMG Guidelines, 2015. Collection method: clinical testing. Allele origin: germline.
Comment: The PLCG2 c.751A>T variant is predicted to result in the amino acid substitution p.Ile251Leu. To our knowledge, this variant has not been reported in the literature. This variant is reported in 0.0026% of alleles in individuals of European (Non-Finnish) descent in gnomAD. At this time, the clinical significance of this variant is uncertain due to the absence of conclusive functional and genetic evidence.